The following is an entry in ClinVar:

ClinVar aggregate classification (germline): Uncertain significance. Review status: criteria provided, multiple submitters, no conflicts (2 of 4 stars). 4 submissions from 4 submitters: Uncertain significance (3). 1 of the submissions does not count toward it. Last evaluated 2025-06-16.

Conditions:
Self-limited epilepsy with centrotemporal spikes. Also called: Childhood epilepsy with centrotemporal spikes; Rolandic epilepsy. Identifiers: Orphanet 1945, MedGen C0376532, MONDO:0007295.
Autosomal recessive spinocerebellar ataxia 12. Also called: SPINOCEREBELLAR ATAXIA WITH MENTAL RETARDATION AND EPILEPSY. Identifiers: Orphanet 284282, MedGen C3280452, MONDO:0013687, OMIM 614322.
Developmental and epileptic encephalopathy, 1 (DEE1). Also called: Epileptic encephalopathy, early infantile, 1; X-linked infantile spasms; West's syndrome; Tonic spasms with clustering, arrest of psychomotor development and hypsarrhythmia on EEG; X-Linked Infantile Spasm Syndrome; OHTAHARA SYNDROME, X-LINKED. Identifiers: MedGen C3463992, MONDO:0010632, OMIM 308350. Disease mechanism: loss of function.

Allele frequency attached by ClinVar (database versions not stated): ESP Exome Variant Server 0.00008; 1000 Genomes Project 30x 0.00016; gnomAD 0.00016; TOPMed 0.00016; 1000 Genomes Project 0.00020.
gnomAD v4.1: 103 of 1,614,124 alleles (0.0064%); highest among the groups gnomAD compares: African/African-American, 0.04%; no homozygotes.

Submissions (4):

GeneDx
Classification: Uncertain significance. Last evaluated: 2025-06-16. Review status: criteria provided, single submitter. Criteria: GeneDx Variant Classification Process June 2021. Collection method: clinical testing. Allele origin: germline.
Comment: Reported in a patient with rolandic epilepsy; however, familial segregation information and additional clinical information were not provided (PMID: 29358611); In silico analysis suggests that this missense variant does not alter protein structure/function; This variant is associated with the following publications: (PMID: 31589614, 24932569, 29358611)

Labcorp Genetics (formerly Invitae), Labcorp
Classification: Uncertain significance for Developmental and epileptic encephalopathy, 1; Autosomal recessive spinocerebellar ataxia 12. Last evaluated: 2024-11-05. Review status: criteria provided, single submitter. Criteria: Invitae Variant Classification Sherloc (09022015). Collection method: clinical testing. Allele origin: germline.
Comment: This sequence change replaces arginine, which is basic and polar, with tryptophan, which is neutral and slightly polar, at codon 408 of the WWOX protein (p.Arg408Trp). This variant is present in population databases (rs144234059, gnomAD 0.05%). This missense change has been observed in individual(s) with Rolandic epilepsy (PMID: 29358611). ClinVar contains an entry for this variant (Variation ID: 433132). An algorithm developed to predict the effect of missense changes on protein structure and function (PolyPhen-2) suggests that this variant¬¨‚Ä†is likely to be tolerated. In summary, the available evidence is currently insufficient to determine the role of this variant in disease. Therefore, it has been classified as a Variant of Uncertain Significance.

Blueprint Genetics
Classification: Uncertain significance. Last evaluated: 2024-10-07. Review status: criteria provided, single submitter. Criteria: ACMG Guidelines, 2015. Collection method: clinical testing. Allele origin: germline.

Bioinformatics Core, Luxembourg Center for Systems Biomedicine
Classification: Pathogenic for Self-limited epilepsy with centrotemporal spikes. Last evaluated: 2017-01-01. Review status: no assertion criteria provided. Collection method: case-control. Allele origin: germline. Affected: yes. Study: EUROEPINOMICS COGIE. Not counted in ClinVar's aggregate classification.

Literature cited by the submitters: PubMed 29358611 (cited by Labcorp Genetics (formerly Invitae), Labcorp and Bioinformatics Core, Luxembourg Center for Systems Biomedicine).

NM_016373.4(WWOX):c.1222C>T (p.Arg408Trp)

Genes: MAF (MAF bZIP transcription factor; minus strand), WWOX (WW domain containing oxidoreductase; plus strand). Cytogenetic location: 16q23.2.
Variant type: single nucleotide variant.
Coding change: c.1222C>T on transcript NM_016373.4 (MANE Select); coding-DNA position 1222, C replaced by T.
Protein change: p.Arg408Trp; replaces arginine 408 with tryptophan.
Molecular consequence: missense variant.
Genome position (GRCh38, 1-based): chr16:79,211,773, C>T. VCF-style: chr16-79211773-C-T. GRCh37 (hg19) VCF-style: chr16-79245670-C-T.
Other names: c.1222C>T (NM_016373.2); c.883C>T, p.Arg295Trp (NM_001291997.2); short protein forms R408W, R295W.
Identifiers: ClinVar variation 433132 (VCV000433132.11), dbSNP rs144234059, ClinGen allele CA8183799.